The following is an entry in ClinVar:

ClinVar aggregate classification (germline): Pathogenic (0 of 4 stars; one submission).

Conditions:
Methylmalonic aciduria due to methylmalonyl-CoA mutase deficiency (MAMM). Also called: Methylmalonic aciduria, mut type. Identifiers: Orphanet 27, MedGen C1855114, MONDO:0009612, OMIM 251000.

Submission:

Institute of Medical Genetics and Genomics, Sir Ganga Ram Hospital
Classification: Pathogenic for Methylmalonic aciduria due to methylmalonyl-CoA mutase deficiency. Last evaluated: 2014-07-28. Review status: no assertion criteria provided. Collection method: research. Allele origin: germline. Affected: yes. Observed: 1 variant allele. Study: ORGANIC ACIDURIAS.
Comment: Mutation was checked in 100 normal control and was found pathogenic by polyphen2, panther, sift, mutation taster

Missense mutation

NM_000255.4(MMUT):c.653A>G (p.Gln218Arg)

Gene: MMUT (methylmalonyl-CoA mutase; minus strand). Cytogenetic location: 6p12.3.
Variant type: single nucleotide variant.
Coding change: c.653A>G on transcript NM_000255.4 (MANE Select); coding-DNA position 653, A replaced by G.
Protein change: p.Gln218Arg; replaces glutamine 218 with arginine.
Molecular consequence: missense variant.
Genome position (GRCh38, 1-based): chr6:49,457,791, T>C on the plus strand (A>G on the coding strand, the complement: MMUT is on the minus strand). VCF-style: chr6-49457791-T-C. GRCh37 (hg19) VCF-style: chr6-49425504-T-C.
Other names: short protein forms Q218R.
Identifiers: ClinVar variation 225185 (VCV000225185.2), dbSNP rs869320653, ClinGen allele CA358798.
Genomic context (GRCh38, chr6:49,457,791, plus strand): 5'-GATGGTTCTGGAGGAAAAATGTATGTATTTCGAACCATAAATTCCTTTAGTATATCATTT[T>C]GGATGGTACCAGTAAGCTTCTCTTTAGGTACACCTTGTTCTTCTCCAGTTACTATAAAAT-3'
Protein context (NP_000246.2, residues 208-228): VPKEKLTGTI[Gln218Arg]NDILKEFMVR